The following is an entry in ClinVar:

ClinVar aggregate classification (germline): Uncertain significance (1 of 4 stars; one submission).

Submission:

Ambry Genetics
Classification: Uncertain significance. Last evaluated: 2023-11-23. Review status: criteria provided, single submitter. Criteria: Ambry Variant Classification Scheme 2023. Collection method: clinical testing. Allele origin: germline.
Comment: The p.D808N variant (also known as c.2422G>A), located in coding exon 20 of the BUB1 gene, results from a G to A substitution at nucleotide position 2422. The aspartic acid at codon 808 is replaced by asparagine, an amino acid with highly similar properties. This amino acid position is conserved. In addition, this alteration is predicted to be tolerated by in silico analysis. Since supporting evidence is limited at this time, the clinical significance of this alteration remains unclear.

NM_004336.5(BUB1):c.2422G>A (p.Asp808Asn)

Gene: BUB1 (BUB1 mitotic checkpoint serine/threonine kinase; minus strand). Cytogenetic location: 2q13.
Variant type: single nucleotide variant.
Coding change: c.2422G>A on transcript NM_004336.5 (MANE Select); coding-DNA position 2422, G replaced by A.
Protein change: p.Asp808Asn; replaces aspartic acid 808 with asparagine.
Molecular consequence: missense variant.
Genome position (GRCh38, 1-based): chr2:110,642,160, C>T on the plus strand (G>A on the coding strand, the complement: BUB1 is on the minus strand). VCF-style: chr2-110642160-C-T. GRCh37 (hg19) VCF-style: chr2-111399737-C-T.
Other names: c.2362G>A, p.Asp788Asn (NM_001278616.2); c.2422G>A, p.Asp808Asn (NM_001278617.2); short protein forms D788N, D808N.
Identifiers: ClinVar variation 3224046 (VCV003224046.1), dbSNP rs748219999, ClinGen allele CA348090917.